The following is an entry in ClinVar:

NM_001130987.2(DYSF):c.2605C>T (p.Gln869Ter)

Gene: DYSF (dysferlin; plus strand). Cytogenetic location: 2p13.2.
Variant type: single nucleotide variant.
Coding change: c.2605C>T on transcript NM_001130987.2 (MANE Select); coding-DNA position 2605, C replaced by T.
Protein change: p.Gln869Ter; replaces glutamine 869 with a stop codon.
Molecular consequence: nonsense.
Genome position (GRCh38, 1-based): chr2:71,567,990, C>T. VCF-style: chr2-71567990-C-T. GRCh37 (hg19) VCF-style: chr2-71795120-C-T.
Other names: c.2554C>T, p.Gln852Ter (NM_001130455.2, NM_001130983.2); c.2509C>T, p.Gln837Ter (NM_001130976.2, NM_001130977.2); c.2551C>T, p.Gln851Ter (NM_001130978.2, NM_003494.4); c.2644C>T, p.Gln882Ter (NM_001130979.2); c.2602C>T, p.Gln868Ter (NM_001130980.2, NM_001130981.2); c.2647C>T, p.Gln883Ter (NM_001130982.2); c.2512C>T, p.Gln838Ter (NM_001130984.2, NM_001130986.2); c.2605C>T, p.Gln869Ter (NM_001130985.2); and 1 more; short protein forms Q837*, Q838*, Q851*, Q852*, Q868*, Q869*, Q882*, Q883*.
Identifiers: ClinVar variation 1075637 (VCV001075637.12), dbSNP rs780129376, ClinGen allele CA347213314.

ClinVar aggregate classification (germline): Pathogenic/Likely pathogenic. Review status: criteria provided, multiple submitters, no conflicts (2 of 4 stars). 3 submissions from 3 submitters: Pathogenic (2); Likely pathogenic (1). Last evaluated 2025-08-15.

Conditions:
Neuromuscular disease caused by qualitative or quantitative defects of dysferlin. Also called: Qualitative or quantitative defects of dysferlin; Dysferlinopathy. Identifiers: Orphanet 207073, MedGen C2931687, MONDO:0016145.
Autosomal recessive limb-girdle muscular dystrophy type 2B (LGMDR2). Also called: Limb-girdle muscular dystrophy, type 2B; MUSCULAR DYSTROPHY, LIMB-GIRDLE, AUTOSOMAL RECESSIVE 2; MUSCULAR DYSTROPHY, LIMB-GIRDLE, TYPE 3; Limb-Girdle Muscular Dystrophy Type 2B (LGMD2B). Identifiers: Orphanet 268, MedGen C1850889, MONDO:0009676, OMIM 253601.
Miyoshi muscular dystrophy 1 (MMD1). Identifiers: Orphanet 45448, MedGen C4551973, MONDO:0024545, OMIM 254130.

gnomAD v4.1: 1 of 1,614,114 alleles (0.000062%); highest among the groups gnomAD compares: Non-Finnish European, 0.000085%; no homozygotes.

Submissions (3):

Natera, Inc.
Classification: Likely pathogenic for Limb-girdle muscular dystrophy type 2B. Last evaluated: 2025-08-15. Review status: criteria provided, single submitter. Criteria: Natera Variant Classification Schema (03/2026). Collection method: clinical testing. Allele origin: germline.
Comment: The c.2551C>T variant in DYSF is a nonsense variant predicted to introduce a stop codon at amino acid 851. This variant is expected to result in nonsense mediated decay, truncation, or a dysfunctional protein product. This variant is rare in the general population with a frequency below the threshold expected for the associated phenotype(s). Given the available evidence, this variant is classified as Likely Pathogenic.

Labcorp Genetics (formerly Invitae), Labcorp
Classification: Pathogenic for Neuromuscular disease caused by qualitative or quantitative defects of dysferlin. Last evaluated: 2024-01-04. Review status: criteria provided, single submitter. Criteria: Invitae Variant Classification Sherloc (09022015). Collection method: clinical testing. Allele origin: germline.
Comment: This sequence change creates a premature translational stop signal (p.Gln851*) in the DYSF gene. It is expected to result in an absent or disrupted protein product. Loss-of-function variants in DYSF are known to be pathogenic (PMID: 17698709, 20301480). This variant is not present in population databases (gnomAD no frequency). This premature translational stop signal has been observed in individual(s) with dysferlinopathy (PMID: 26088049). ClinVar contains an entry for this variant (Variation ID: 1075637). Algorithms developed to predict the effect of sequence changes on RNA splicing suggest that this variant may disrupt the consensus splice site. For these reasons, this variant has been classified as Pathogenic.

Baylor Genetics
Classification: Pathogenic for Miyoshi muscular dystrophy 1. Last evaluated: 2023-12-29. Review status: criteria provided, single submitter. Criteria: ACMG Guidelines, 2015. Collection method: clinical testing. Allele origin: unknown.

Literature cited by the submitters: PubMed 17698709 (cited by Labcorp Genetics (formerly Invitae), Labcorp); PubMed 20301480 (cited by Labcorp Genetics (formerly Invitae), Labcorp); PubMed 26088049 (cited by Labcorp Genetics (formerly Invitae), Labcorp).